The following is an entry in ClinVar:

NM_032520.5(GNPTG):c.37_38delinsT (p.Gly13fs)

Genes: GNPTG (N-acetylglucosamine-1-phosphate transferase subunit gamma; plus strand), LOC130058158 (ATAC-STARR-seq lymphoblastoid silent region 6972; plus strand). Cytogenetic location: 16p13.3.
Variant type: Indel.
Coding change: c.37_38delinsT on transcript NM_032520.5 (MANE Select); coding-DNA positions 37 to 38, GG replaced by T.
Protein change: p.Gly13fs; shifts the reading frame from glycine 13.
Molecular consequence: frameshift variant.
Genome position (GRCh38, 1-based): chr16:1,352,002-1,352,003, GG replaced by T. VCF-style: chr16-1352002-GG-T. GRCh37 (hg19) VCF-style: chr16-1402003-GG-T.
Other names: short protein forms G13fs.
Identifiers: ClinVar variation 1725799 (VCV001725799.2), dbSNP rs2548185540, ClinGen allele CA2580090421.

ClinVar aggregate classification (germline): Likely pathogenic (1 of 4 stars; one submission).

Conditions:
GNPTG-mucolipidosis. Also called: ML III GAMMA; ML IIIC; MUCOLIPIDOSIS III, COMPLEMENTATION GROUP C; MUCOLIPIDOSIS III, IRANIAN VARIANT FORM; MUCOLIPIDOSIS III, VARIANT FORM; Mucolipidosis type III gamma. Identifiers: Orphanet 423470, Orphanet 577, MedGen C1854896, MONDO:0009652, OMIM 252605.

Submission:

Myriad Genetics, Inc.
Classification: Likely pathogenic for GNPTG-mucolipidosis. Last evaluated: 2022-04-01. Review status: criteria provided, single submitter. Criteria: Myriad Women's Health Autosomal Recessive and X-Linked Classification Criteria (2021). Collection method: clinical testing. Allele origin: unknown.
Comment: NM_032520.4(GNPTG):c.37_38delGGinsT(G13Cfs*15) is expected to be pathogenic in the context of mucolipidosis III gamma. This variant is predicted to lead to an abnormal or absent protein product due to the creation of a premature termination codon in GNPTG, a gene where loss-of-function variants are known to be pathogenic. Please note: this variant was assessed in the context of healthy population screening.